The following is an entry in ClinVar:

ClinVar aggregate classification (germline): Conflicting classifications of pathogenicity. Review status: criteria provided, conflicting classifications (1 of 4 stars). 2 submissions from 2 submitters: Uncertain significance (1); Likely benign (1). Last evaluated 2022-09-09.

Allele frequency attached by ClinVar (database versions not stated): TOPMed below 0.00001; gnomAD 0.00001.

Submissions (2):

Blueprint Genetics
Classification: Likely benign. Last evaluated: 2022-09-09. Review status: criteria provided, single submitter. Criteria: ACMG Guidelines, 2015. Collection method: clinical testing. Allele origin: germline.

Laboratorio de Genetica e Diagnostico Molecular, Hospital Israelita Albert Einstein
Classification: Uncertain significance. Last evaluated: 2020-12-18. Review status: criteria provided, single submitter. Criteria: ACMG Guidelines, 2015. Collection method: clinical testing. Allele origin: germline. Affected: yes.
Comment: ACMG classification criteria: PM2, BP7

NM_001378183.1(PIEZO2):c.2181A>G (p.Glu727=)

Gene: PIEZO2 (piezo type mechanosensitive ion channel component 2; minus strand). Cytogenetic location: 18p11.22.
Variant type: single nucleotide variant.
Coding change: c.2181A>G on transcript NM_001378183.1 (MANE Select); coding-DNA position 2181, A replaced by G.
Protein change: p.Glu727=; no amino-acid change (glutamic acid 727 retained).
Molecular consequence: synonymous variant.
Genome position (GRCh38, 1-based): chr18:10,787,173, T>C on the plus strand (A>G on the coding strand, the complement: PIEZO2 is on the minus strand). VCF-style: chr18-10787173-T-C. GRCh37 (hg19) VCF-style: chr18-10787171-T-C.
Other names: c.2181A>G, p.Glu727= (NM_022068.4).
Identifiers: ClinVar variation 1690998 (VCV001690998.3), dbSNP rs2039252074, ClinGen allele CA502894480.